The following is an entry in ClinVar:

NM_080680.3(COL11A2):c.3637-19G>T

Gene: COL11A2 (collagen type XI alpha 2 chain; minus strand). Cytogenetic location: 6p21.32.
Variant type: single nucleotide variant.
Coding change: c.3637-19G>T on transcript NM_080680.3 (MANE Select); 19 bases into the intron before coding-DNA position 3637, G replaced by T.
Molecular consequence: intron variant.
Genome position (GRCh38, 1-based): chr6:33,169,903, C>A on the plus strand (G>T on the coding strand, the complement: COL11A2 is on the minus strand). VCF-style: chr6-33169903-C-A. GRCh37 (hg19) VCF-style: chr6-33137680-C-A.
Other names: c.3316-19G>T (NM_080679.3); c.3379-19G>T (NM_080681.3).
Identifiers: ClinVar variation 512515 (VCV000512515.7), dbSNP rs1427818109, ClinGen allele CA449873242.

ClinVar aggregate classification (germline): Likely benign. Review status: criteria provided, multiple submitters, no conflicts (2 of 4 stars). 3 submissions from 3 submitters: Likely benign (3). Last evaluated 2024-02-05.

Allele frequency attached by ClinVar (database versions not stated): TOPMed below 0.00001; gnomAD 0.00001; gnomAD exomes 0.00001 and 0.00002.
gnomAD v4.1: 12 of 1,613,984 alleles (0.00074%); highest among the groups gnomAD compares: Non-Finnish European, 0.001%; no homozygotes.

Submissions (3):

Labcorp Genetics (formerly Invitae), Labcorp
Classification: Likely benign. Last evaluated: 2024-02-05. Review status: criteria provided, single submitter. Criteria: Invitae Variant Classification Sherloc (09022015). Collection method: clinical testing. Allele origin: germline.

Blueprint Genetics
Classification: Likely benign. Last evaluated: 2023-12-27. Review status: criteria provided, single submitter. Criteria: ACMG Guidelines, 2015. Collection method: clinical testing. Allele origin: germline.

GeneDx
Classification: Likely benign. Last evaluated: 2017-10-09. Review status: criteria provided, single submitter. Criteria: GeneDx Variant Classification (06012015). Collection method: clinical testing. Allele origin: germline. Affected: yes.
Comment: This variant is considered likely benign or benign based on one or more of the following criteria: it is a conservative change, it occurs at a poorly conserved position in the protein, it is predicted to be benign by multiple in silico algorithms, and/or has population frequency not consistent with disease.